The following is an entry in ClinVar:

ClinVar aggregate classification (germline): Uncertain significance (1 of 4 stars; one submission).

Conditions:
Hereditary cancer-predisposing syndrome. Also called: Neoplastic Syndromes, Hereditary; Tumor predisposition; Hereditary Cancer Syndrome; Hereditary neoplastic syndrome. Identifiers: Orphanet 140162, MedGen C0027672, MeSH D009386, MONDO:0015356.

Submission:

Ambry Genetics
Classification: Uncertain significance for Hereditary cancer-predisposing syndrome. Last evaluated: 2026-05-21. Review status: criteria provided, single submitter. Criteria: Ambry Variant Classification Scheme 2023. Collection method: clinical testing. Allele origin: germline.
Comment: The p.R421P variant (also known as c.1262G>C), located in coding exon 11 of the PMS2 gene, results from a G to C substitution at nucleotide position 1262. The arginine at codon 421 is replaced by proline, an amino acid with dissimilar properties. This amino acid position is highly conserved in available vertebrate species. In addition, the in silico prediction for this alteration is inconclusive. Based on the available evidence, the clinical significance of this variant remains unclear.

NM_000535.7(PMS2):c.1262G>C (p.Arg421Pro)

Gene: PMS2 (PMS1 homolog 2, mismatch repair system component; minus strand). Cytogenetic location: 7p22.1.
Variant type: single nucleotide variant.
Coding change: c.1262G>C on transcript NM_000535.7 (MANE Select); coding-DNA position 1262, G replaced by C.
Protein change: p.Arg421Pro; replaces arginine 421 with proline.
Molecular consequence: missense variant. On other transcripts: non-coding transcript variant (1), intron variant (1).
Genome position (GRCh38, 1-based): chr7:5,987,503, C>G on the plus strand (G>C on the coding strand, the complement: PMS2 is on the minus strand). VCF-style: chr7-5987503-C-G. GRCh37 (hg19) VCF-style: chr7-6027134-C-G.
Other names: c.857G>C, p.Arg286Pro (NM_001406910.1, NM_001322003.2, NM_001322004.2 and 16 more transcripts); c.491G>C, p.Arg164Pro (NM_001406911.1); c.804-4512G>C (NM_001406912.1); c.1106G>C, p.Arg369Pro (NM_001322006.2, NM_001406870.1); c.944G>C, p.Arg315Pro (NM_001322007.2, NM_001322008.2, NM_001406876.1 and 2 more transcripts); c.701G>C, p.Arg234Pro (NM_001322010.2, NM_001406906.1, NM_001406907.1); c.1262G>C, p.Arg421Pro (NM_001406872.1, NM_001322014.2, NM_001406871.1); c.1064G>C, p.Arg355Pro (NM_001406873.1); and 13 more; short protein forms R110P, R164P, R230P, R234P, R250P, R263P, R266P, R286P.
Identifiers: ClinVar variation 4862125 (VCV004862125.1).